The following is an entry in ClinVar:

NM_002842.5(PTPRH):c.1107G>A (p.Gly369=)

Gene: PTPRH (protein tyrosine phosphatase receptor type H; minus strand). Cytogenetic location: 19q13.42.
Variant type: single nucleotide variant.
Coding change: c.1107G>A on transcript NM_002842.5 (MANE Select); coding-DNA position 1107, G replaced by A.
Protein change: p.Gly369=; no amino-acid change (glycine 369 retained).
Molecular consequence: synonymous variant.
Genome position (GRCh38, 1-based): chr19:55,202,102, C>T on the plus strand (G>A on the coding strand, the complement: PTPRH is on the minus strand). VCF-style: chr19-55202102-C-T. GRCh37 (hg19) VCF-style: chr19-55713470-C-T.
Other names: c.573G>A, p.Gly191= (NM_001161440.3).
Identifiers: ClinVar variation 3771231 (VCV003771231.13).

ClinVar aggregate classification (germline): Likely benign (1 of 4 stars; one submission).

gnomAD v4.1: 957 of 1,614,212 alleles (0.059%); highest among the groups gnomAD compares: South Asian, 0.98%; 12 homozygotes.

Submission:

CeGaT Center for Human Genetics Tuebingen
Classification: Likely benign. Last evaluated: 2025-02-01. Review status: criteria provided, single submitter. Criteria: CeGaT Center For Human Genetics Tuebingen Variant Classification Criteria Version 2. Collection method: clinical testing. Allele origin: germline. Affected: yes. Observed: 1 variant allele.
Comment: PTPRH: BP4, BP7